The following is an entry in ClinVar:

ClinVar aggregate classification (germline): Uncertain significance (1 of 4 stars; one submission).

Submission:

Greenwood Genetic Center Diagnostic Laboratories, Greenwood Genetic Center
Classification: Uncertain significance. Last evaluated: 2024-11-12. Review status: criteria provided, single submitter. Criteria: ACMG Guidelines, 2015. Collection method: clinical testing. Allele origin: germline. Affected: yes.
Comment: PM2, BP4

NM_006133.3(DAGLA):c.2113A>G (p.Met705Val)

Gene: DAGLA (diacylglycerol lipase alpha; plus strand). Cytogenetic location: 11q12.2.
Variant type: single nucleotide variant.
Coding change: c.2113A>G on transcript NM_006133.3 (MANE Select); coding-DNA position 2113, A replaced by G.
Protein change: p.Met705Val; replaces methionine 705 with valine.
Molecular consequence: missense variant.
Genome position (GRCh38, 1-based): chr11:61,741,291, A>G. VCF-style: chr11-61741291-A-G. GRCh37 (hg19) VCF-style: chr11-61508763-A-G.
Other names: short protein forms M705V.
Identifiers: ClinVar variation 3765763 (VCV003765763.1).